The following is an entry in ClinVar:

NM_000548.5(TSC2):c.716_719del (p.Phe239fs)

Gene: TSC2 (TSC complex subunit 2; plus strand). Cytogenetic location: 16p13.3.
Variant type: Deletion.
Coding change: c.716_719del on transcript NM_000548.5 (MANE Select); coding-DNA positions 716 to 719, 4 bases deleted (TCAT; older notation c.716_719delTCAT).
Protein change: p.Phe239fs; shifts the reading frame from phenylalanine 239.
Molecular consequence: frameshift variant. On other transcripts: 5 prime UTR variant (10), non-coding transcript variant (5).
Genome position (GRCh38, 1-based): chr16:2,056,711-2,056,714, TCAT deleted; deleting any 4 consecutive bases within chr16:2,056,710-2,056,714 gives the same sequence; the c. name uses the placement nearest the transcript's 3' end. VCF-style (leftmost placement, unchanged base first): chr16-2056709-GTTCA-G. GRCh37 (hg19) VCF-style: chr16-2106710-GTTCA-G.
Other names: c.116_119del, p.Phe39fs (NM_001406683.1, NM_001406684.1, NM_001406685.1 and 6 more transcripts); c.-716_-713del (NM_001406691.1, NM_001406692.1, NM_001406693.1 and 4 more transcripts); c.-597_-594del (NM_001406694.1, NM_001406695.1); c.-892_-889del (NM_001406698.1); c.716_719del, p.Phe239fs (NM_021055.3, NM_001077183.3, NM_001114382.3 and 6 more transcripts); c.605_608del, p.Phe202fs (NM_001318827.2, NM_001406678.1, NM_001406670.1); c.569_572del, p.Phe190fs (NM_001318829.2, NM_001406675.1, NM_001406676.1 and 1 more transcripts); c.749_752del, p.Phe250fs (NM_001318832.2); and 4 more; short protein forms F190fs, F202fs, F220fs, F235fs, F239fs, F250fs, F269fs, F39fs.
Identifiers: ClinVar variation 3381867 (VCV003381867.2).

ClinVar aggregate classification (germline): Pathogenic (1 of 4 stars; one submission).

Conditions:
Lymphangiomyomatosis (LAM). Also called: Lymphangioleiomyomatosis; Lymphangioleiomyomatosis, somatic. Identifiers: Orphanet 538, MedGen C0751674, MONDO:0011705, OMIM 606690.
Isolated focal cortical dysplasia type II (FCORD2). Also called: Focal cortical dysplasia type II; CORTICAL DYSPLASIA OF TAYLOR. Identifiers: Orphanet 268994, MedGen C1846385, MONDO:0011818, OMIM 607341, HP:0032051.
Tuberous sclerosis 2 (TSC2). Identifiers: Orphanet 805, MedGen C1860707, MONDO:0013199, OMIM 613254.

Submission:

Juno Genomics, Hangzhou Juno Genomics, Inc
Classification: Pathogenic for Isolated focal cortical dysplasia type II; Lymphangiomyomatosis; Tuberous sclerosis 2. Review status: criteria provided, single submitter. Criteria: ACMG Guidelines, 2015. Collection method: clinical testing. Allele origin: germline. Affected: yes.
Comment: Absent from controls (or at extremely low frequency if recessive) in Genome Aggregation Database, Exome Sequencing Project, 1000 Genomes Project, or Exome Aggregation Consortium.;Null variant in a gene where loss of function (LOF) is a known mechanism of disease.;Patient's phenotype or family history is highly specific for a disease with a single genetic etiology.;Assumed de novo, but without confirmation of paternity and maternity.